The following is an entry in ClinVar:

ClinVar aggregate classification (germline): Benign/Likely benign. Review status: criteria provided, multiple submitters, no conflicts (2 of 4 stars). 2 submissions from 2 submitters: Benign (1); Likely benign (1). Last evaluated 2023-11-27.

Allele frequency attached by ClinVar (database versions not stated): gnomAD exomes 0.00001; gnomAD 0.00002; ExAC 0.00003; TOPMed 0.00006; ESP Exome Variant Server 0.00009.
gnomAD v4.1: 17 of 1,207,337 alleles (0.0014%); highest among the groups gnomAD compares: Admixed American, 0.011%; no homozygotes.

Submissions (2):

Labcorp Genetics (formerly Invitae), Labcorp
Classification: Benign. Last evaluated: 2023-11-27. Review status: criteria provided, single submitter. Criteria: Invitae Variant Classification Sherloc (09022015). Collection method: clinical testing. Allele origin: germline.

CeGaT Center for Human Genetics Tuebingen
Classification: Likely benign. Last evaluated: 2023-04-01. Review status: criteria provided, single submitter. Criteria: CeGaT Center For Human Genetics Tuebingen Variant Classification Criteria Version 2. Collection method: clinical testing. Allele origin: germline. Affected: yes. Observed: 1 variant allele.
Comment: OPHN1: BP4, BP7

NM_002547.3(OPHN1):c.2007C>T (p.Asp669=)

Gene: OPHN1 (oligophrenin 1; minus strand). Cytogenetic location: Xq12.
Variant type: single nucleotide variant.
Coding change: c.2007C>T on transcript NM_002547.3 (MANE Select); coding-DNA position 2007, C replaced by T.
Protein change: p.Asp669=; no amino-acid change (aspartic acid 669 retained).
Molecular consequence: synonymous variant.
Genome position (GRCh38, 1-based): chrX:68,064,005, G>A on the plus strand (C>T on the coding strand, the complement: OPHN1 is on the minus strand). VCF-style: chrX-68064005-G-A. GRCh37 (hg19) VCF-style: chrX-67283847-G-A.
Identifiers: ClinVar variation 2150558 (VCV002150558.28), dbSNP rs372445201, ClinGen allele CA10436801.